The following is an entry in ClinVar:

NM_001113378.2(FANCI):c.164C>T (p.Pro55Leu)

Gene: FANCI (FA complementation group I; plus strand). Cytogenetic location: 15q26.1.
Variant type: single nucleotide variant.
Coding change: c.164C>T on transcript NM_001113378.2 (MANE Select); coding-DNA position 164, C replaced by T.
Protein change: p.Pro55Leu; replaces proline 55 with leucine.
Molecular consequence: missense variant. On other transcripts: 5 prime UTR variant (1).
Genome position (GRCh38, 1-based): chr15:89,260,719, C>T. VCF-style: chr15-89260719-C-T. GRCh37 (hg19) VCF-style: chr15-89803950-C-T.
Other names: c.-116C>T (NM_001376910.1); c.164C>T, p.Pro55Leu (NM_001376911.1, NM_018193.3); short protein forms P55L.
Identifiers: ClinVar variation 257480 (VCV000257480.31), dbSNP rs62020347, ClinGen allele CA7722523.
Genomic context (GRCh38, chr15:89,260,719, plus strand): 5'-TTACCTGTCAATGTTGTAAGACTTGTTTCTGAACCCCCTGTTTAAAACAATAAGGTTCCC[C>T]CTGCTCTGAGGAAGCTGGAACACTTAGGAGACGTAAGATATACACTTGTTGTATCCAGTT-3'
Protein context (NP_001106849.1, residues 45-65): ALLRAIFKGS[Pro55Leu]CSEEAGTLRR

ClinVar aggregate classification (germline): Benign/Likely benign. Review status: criteria provided, multiple submitters, no conflicts (2 of 4 stars). 9 submissions from 9 submitters: Benign (8); Likely benign (1). Last evaluated 2026-02-04.

Conditions:
Fanconi anemia (FA). Also called: Fanconi's anemia. Identifiers: Orphanet 84, MedGen C0015625, MeSH D005199, MONDO:0019391.
Fanconi anemia complementation group I (FANCI). Also called: FANCI-Related Fanconi Anemia. Identifiers: Orphanet 84, MedGen C1836861, MONDO:0012186, OMIM 609053.

Allele frequency attached by ClinVar (database versions not stated): gnomAD 0.04602 and 0.04648; 1000 Genomes Project 0.04633; TOPMed 0.04665; 1000 Genomes Project 30x 0.04685; gnomAD exomes 0.05268 and 0.06017; ESP Exome Variant Server 0.05278; ExAC 0.05456.
gnomAD v4.1: 94,797 of 1,613,550 alleles (5.9%); highest among the groups gnomAD compares: South Asian, 7.5%; 3,111 homozygotes.

Submissions (9):

Labcorp Genetics (formerly Invitae), Labcorp
Classification: Benign for Fanconi anemia. Last evaluated: 2026-02-04. Review status: criteria provided, single submitter. Criteria: Invitae Variant Classification Sherloc (09022015). Collection method: clinical testing. Allele origin: germline.

ARUP Laboratories, Molecular Genetics and Genomics, ARUP Laboratories
Classification: Benign for Fanconi anemia complementation group I. Last evaluated: 2025-07-03. Review status: criteria provided, single submitter. Criteria: ARUP Molecular Germline Variant Investigation Process 2024. Collection method: clinical testing. Allele origin: germline.

Blueprint Genetics
Classification: Likely benign. Last evaluated: 2024-11-27. Review status: criteria provided, single submitter. Criteria: ACMG Guidelines, 2015. Collection method: clinical testing. Allele origin: germline.

KCCC/NGS Laboratory, Kuwait Cancer Control Center
Classification: Benign for Fanconi anemia complementation group I. Last evaluated: 2023-07-07. Review status: criteria provided, single submitter. Criteria: ACMG Guidelines, 2015. Collection method: clinical testing. Allele origin: germline. Affected: yes.

Mayo Clinic Laboratories, Mayo Clinic
Classification: Benign. Last evaluated: 2022-09-06. Review status: criteria provided, single submitter. Criteria: ACMG Guidelines, 2015. Collection method: clinical testing. Allele origin: germline. Observed: 5 variant alleles.

GeneDx
Classification: Benign. Last evaluated: 2018-07-09. Review status: criteria provided, single submitter. Criteria: GeneDx Variant Classification Process June 2021. Collection method: clinical testing. Allele origin: germline. Affected: yes.

Illumina Laboratory Services, Illumina
Classification: Benign for Fanconi anemia complementation group I. Last evaluated: 2018-01-13. Review status: criteria provided, single submitter. Criteria: ICSL Variant Classification Criteria 13 December 2019. Collection method: clinical testing. Allele origin: germline.
Comment: This variant was observed in the ICSL laboratory as part of a predisposition screen in an ostensibly healthy population. It had not been previously curated by ICSL or reported in the Human Gene Mutation Database (HGMD: prior to June 1st, 2018), and was therefore a candidate for classification through an automated scoring system. Utilizing variant allele frequency, disease prevalence and penetrance estimates, and inheritance mode, an automated score was calculated to assess if this variant is too frequent to cause the disease. Based on the score and internal cut-off values, a variant classified as benign is not then subjected to further curation. The score for this variant resulted in a classification of benign for this disease.

Breakthrough Genomics
Classification: Benign. Review status: criteria provided, single submitter. Criteria: ACMG Guidelines, 2015. Collection method: not provided. Allele origin: germline. Inheritance: Autosomal recessive inheritance. Affected: yes.

PreventionGenetics, part of Exact Sciences
Classification: Benign. Review status: criteria provided, single submitter. Criteria: ACMG Guidelines, 2015. Collection method: clinical testing. Allele origin: germline.